The following is an entry in ClinVar:

NM_000545.8(HNF1A):c.472A>G (p.Lys158Glu)

Gene: HNF1A (HNF1 homeobox A; plus strand). Cytogenetic location: 12q24.31.
Variant type: single nucleotide variant.
Coding change: c.472A>G on transcript NM_000545.8 (MANE Select); coding-DNA position 472, A replaced by G.
Protein change: p.Lys158Glu; replaces lysine 158 with glutamic acid.
Molecular consequence: missense variant.
Genome position (GRCh38, 1-based): chr12:120,988,978, A>G. VCF-style: chr12-120988978-A-G. GRCh37 (hg19) VCF-style: chr12-121426781-A-G.
Other names: NM_001306179.2:c.472A>G; c.472A>G, p.Lys158Glu (NM_001306179.2, NM_001406915.1); short protein forms K158E.
Identifiers: ClinVar variation 3602126 (VCV003602126.2).
Genomic context (GRCh38, chr12:120,988,978, plus strand): 5'-GGCCTCAACCAGTCCCACCTGTCCCAACACCTCAACAAGGGCACTCCCATGAAGACGCAG[A>G]AGCGGGCCGCCCTGTACACCTGGTACGTCCGCAAGCAGCGAGAGGTGGCGCAGCGTAAGT-3'
Protein context (NP_000536.6, residues 148-168): LNKGTPMKTQ[Lys158Glu]RAALYTWYVR

ClinVar aggregate classification (germline): Likely pathogenic. Review status: reviewed by expert panel (3 of 4 stars). 2 submissions from 2 submitters: Likely pathogenic (1). 1 of the submissions does not count toward it. Last evaluated 2025-01-29.

Conditions:
Monogenic diabetes. Identifiers: Orphanet 183625, MedGen C3888631, MONDO:0015967.

Submissions (2):

ClinGen Monogenic Diabetes Variant Curation Expert Panel
Classification: Likely pathogenic for Monogenic diabetes. Last evaluated: 2025-01-29. Review status: reviewed by expert panel. Criteria: ClinGen Diabetes ACMG Specifications HNF1A V2.1.0. Collection method: curation. Allele origin: germline. Inheritance: Autosomal dominant inheritance.
Comment: The c.472A>G variant in the HNF1 homeobox A gene, HNF1A, causes an amino acid change of lysine to glutamate at codon 158 (p.(Lys158Glu)) of NM_000545.8. This variant was identified in an individual with a clinical history highly specific for HNF1A-monogenic diabetes (MODY probability calculator result >50%, negative genetic testing for HNF4A, and sulfonylurea sensitive) (PP4_Moderate; internal lab contributors). This variant resides in an amino acid within the HNF1α DNA binding domain that directly binds DNA, which is defined as critical for the protein’s function by the ClinGen MDEP (PM1). This variant is absent from gnomAD v2.1.1 (PM2_Supporting). This variant is predicted to be deleterious by computational evidence, with a REVEL score of 0.978, which is greater than the MDEP VCEP threshold of 0.70 (PP3). Another variant affecting this same amino acid, c.474G>T (p.Lys158Asn), has been classified as likely pathogenic by the ClinGen MDEP (PM5_Supporting). In summary, c.472A>G meets the criteria to be classified as likely pathogenic for monogenic diabetes. ACMG/AMP criteria applied, as specified by the ClinGen MDEP (specification version 2.1.0, approved 8/11/2023): PP4_Moderate, PM1, PM2_Supporting, PP3, PM5_Supporting.

ARUP Laboratories, Molecular Genetics and Genomics, ARUP Laboratories
Classification: Uncertain significance. Last evaluated: 2023-12-21. Review status: criteria provided, single submitter. Criteria: ARUP Molecular Germline Variant Investigation Process 2024. Collection method: clinical testing. Allele origin: germline. Not counted in ClinVar's aggregate classification.
Comment: The HNF1A c.472A>G; p.Lys158Glu variant is reported in the literature in several individuals affected with maturity onset diabetes of the young (MODY) (Bennett 2015, Colclough 2013, Mirshahi 2022). This variant is absent from the Genome Aggregation Database (v2.1.1), indicating it is not a common polymorphism. This variant alters an amino acid involved in DNA binding (Chi 2002), and computational analyses predict that this variant is deleterious (REVEL: 0.978). While current evidence favors pathogenicity, due to limited information, the clinical significance of the p.Lys158Glu variant is uncertain at this time. References: Bennett JT et al. Molecular genetic testing of patients with monogenic diabetes and hyperinsulinism. Mol Genet Metab. 2015 Mar;114(3):451-8. PMID: 25555642. Chi YI et al. Diabetes mutations delineate an atypical POU domain in HNF-1alpha. Mol Cell. 2002 Nov;10(5):1129-37. PMID: 12453420. Colclough K et al. Mutations in the genes encoding the transcription factors hepatocyte nuclear factor 1 alpha and 4 alpha in maturity-onset diabetes of the young and hyperinsulinemic hypoglycemia. Hum Mutat. 2013 May;34(5):669-85. PMID: 23348805. Mirshahi UL et al. Reduced penetrance of MODY-associated HNF1A/HNF4A variants but not GCK variants in clinically unselected cohorts. Am J Hum Genet. 2022 Nov 3;109(11):2018-2028. PMID: 36257325.